The following is an entry in ClinVar:

ClinVar aggregate classification (germline): Conflicting classifications of pathogenicity. Review status: criteria provided, conflicting classifications (1 of 4 stars). 2 submissions from 2 submitters: Uncertain significance (1); Likely benign (1). Last evaluated 2026-01-13.

Conditions:
Gorlin syndrome. Also called: Basal cell nevus syndrome; Nevoid Basal Cell Carcinoma Syndrome. Identifiers: Orphanet 377, MedGen C0004779, MONDO:0007187.
Medulloblastoma (MDB). Also called: MEDULLOBLASTOMA PREDISPOSITION SYNDROME; Medulloblastoma, somatic. Identifiers: Orphanet 616, MedGen C0025149, MeSH D008527, MONDO:0007959, OMIM 155255, HP:0002885.
Hereditary cancer-predisposing syndrome. Also called: Hereditary neoplastic syndrome; Hereditary Cancer Syndrome; Neoplastic Syndromes, Hereditary; Tumor predisposition. Identifiers: Orphanet 140162, MedGen C0027672, MeSH D009386, MONDO:0015356.

Allele frequency attached by ClinVar (database versions not stated): gnomAD exomes below 0.00001 and 0.00001; gnomAD 0.00001; 1000 Genomes Project 30x 0.00016; 1000 Genomes Project 0.00020.
gnomAD v4.1: 2 of 1,614,212 alleles (0.00012%); highest among the groups gnomAD compares: East Asian, 0.0045%; no homozygotes.

Submissions (2):

Labcorp Genetics (formerly Invitae), Labcorp
Classification: Uncertain significance for Gorlin syndrome; Medulloblastoma. Last evaluated: 2026-01-13. Review status: criteria provided, single submitter. Criteria: Invitae Variant Classification Sherloc (09022015). Collection method: clinical testing. Allele origin: germline.
Comment: This sequence change replaces asparagine, which is neutral and polar, with lysine, which is basic and polar, at codon 319 of the SUFU protein (p.Asn319Lys). This variant is present in population databases (rs535845342, gnomAD 0.006%). This variant has not been reported in the literature in individuals affected with SUFU-related conditions. ClinVar contains an entry for this variant (Variation ID: 1375195). Invitae Evidence Modeling of protein sequence and biophysical properties (such as structural, functional, and spatial information, amino acid conservation, physicochemical variation, residue mobility, and thermodynamic stability) indicates that this missense variant is not expected to disrupt SUFU protein function with a negative predictive value of 80%. In summary, the available evidence is currently insufficient to determine the role of this variant in disease. Therefore, it has been classified as a Variant of Uncertain Significance.

Ambry Genetics
Classification: Likely benign for Hereditary cancer-predisposing syndrome. Last evaluated: 2024-09-30. Review status: criteria provided, single submitter. Criteria: Ambry Variant Classification Scheme 2023. Collection method: clinical testing. Allele origin: germline.

NM_016169.4(SUFU):c.957C>G (p.Asn319Lys)

Gene: SUFU (SUFU negative regulator of hedgehog signaling; plus strand). Cytogenetic location: 10q24.32.
Variant type: single nucleotide variant.
Coding change: c.957C>G on transcript NM_016169.4 (MANE Select); coding-DNA position 957, C replaced by G.
Protein change: p.Asn319Lys; replaces asparagine 319 with lysine.
Molecular consequence: missense variant.
Genome position (GRCh38, 1-based): chr10:102,599,479, C>G. VCF-style: chr10-102599479-C-G. GRCh37 (hg19) VCF-style: chr10-104359236-C-G.
Other names: c.957C>G, p.Asn319Lys (NM_001178133.2); c.957C>G (NM_016169.3); short protein forms N319K.
Identifiers: ClinVar variation 1375195 (VCV001375195.9), dbSNP rs535845342, ClinGen allele CA212269224.
Genomic context (GRCh38, chr10:102,599,479, plus strand): 5'-TGGTGTCGTTGCAGACACAGAGCAGATCCGGGAGACCCTGAGGAGAGGACTCGAGATCAA[C>G]AGCAAACCTGTCCTTCCACCAATCAACCCTCAGCGGCAGAATGGCCTCGCCCACGACCGG-3'
Protein context (NP_057253.2, residues 309-329): RETLRRGLEI[Asn319Lys]SKPVLPPINP